The following is an entry in ClinVar:

ClinVar aggregate classification (germline): Uncertain significance (1 of 4 stars; one submission).

Submission:

GeneDx
Classification: Uncertain significance. Last evaluated: 2022-08-26. Review status: criteria provided, single submitter. Criteria: GeneDx Variant Classification Process June 2021. Collection method: clinical testing. Allele origin: germline. Affected: yes.
Comment: Not observed at significant frequency in large population cohorts (gnomAD); In silico analysis supports that this missense variant has a deleterious effect on protein structure/function; Has not been previously published as pathogenic or benign to our knowledge

NM_001375405.1(CEP120):c.691A>G (p.Thr231Ala)

Gene: CEP120 (centrosomal protein 120; minus strand). Cytogenetic location: 5q23.2.
Variant type: single nucleotide variant.
Coding change: c.691A>G on transcript NM_001375405.1 (MANE Select); coding-DNA position 691, A replaced by G.
Protein change: p.Thr231Ala; replaces threonine 231 with alanine.
Molecular consequence: missense variant. On other transcripts: non-coding transcript variant (1).
Genome position (GRCh38, 1-based): chr5:123,393,419, T>C on the plus strand (A>G on the coding strand, the complement: CEP120 is on the minus strand). VCF-style: chr5-123393419-T-C. GRCh37 (hg19) VCF-style: chr5-122729113-T-C.
Other names: c.613A>G, p.Thr205Ala (NM_001166226.2); c.691A>G, p.Thr231Ala (NM_001375406.1, NM_001375407.1, NM_153223.4); c.118A>G, p.Thr40Ala (NM_001375408.1, NM_001375409.1); short protein forms T205A, T231A, T40A.
Identifiers: ClinVar variation 2430522 (VCV002430522.1), dbSNP rs2479361079, ClinGen allele CA360892737.